The following is an entry in ClinVar:

NM_005006.7(NDUFS1):c.1195GTT[1] (p.Val400del)

Gene: NDUFS1 (NADH:ubiquinone oxidoreductase core subunit S1; minus strand). Cytogenetic location: 2q33.3.
Variant type: Microsatellite.
Coding change: c.1195GTT[1] on transcript NM_005006.7 (MANE Select); one copy of the 3-base unit GTT starting at c.1195; the reference has two copies in a row; one copy, 3 bases deleted.
Protein change: p.Val400del; deletes valine 400.
Molecular consequence: inframe deletion.
Genome position (GRCh38, 1-based): chr2:206,142,003-206,142,005, AAC deleted on the plus strand (GTT on the coding strand, the reverse complement: NDUFS1 is on the minus strand); deleting any 3 consecutive bases within chr2:206,142,003-206,142,009 gives the same sequence; the position shown is the placement nearest the transcript's 3' end. VCF-style (leftmost placement, unchanged base first): chr2-206142002-GAAC-G. GRCh37 (hg19) VCF-style: chr2-207006726-GAAC-G.
Other names: c.1087GTT[1], p.Val364del (NM_001199981.2); c.862GTT[1], p.Val289del (NM_001199982.2); c.1024GTT[1], p.Val343del (NM_001199983.2); c.1237GTT[1], p.Val414del (NM_001199984.2); short protein forms V343del, V400del, V289del, V364del, V414del.
Identifiers: ClinVar variation 1032962 (VCV001032962.1), dbSNP rs1559055100, ClinGen allele CA539057797.

ClinVar aggregate classification (germline): Uncertain significance (1 of 4 stars; one submission).

Conditions:
Mitochondrial complex I deficiency, nuclear type 1. Also called: NADH-COENZYME Q REDUCTASE DEFICIENCY; MITOCHONDRIAL NADH DEHYDROGENASE COMPONENT OF COMPLEX I, DEFICIENCY OF. Identifiers: MedGen C6022305, MONDO:0100224, OMIM 252010.

Submission:

Baylor Genetics
Classification: Uncertain significance for Mitochondrial complex I deficiency, nuclear type 1. Last evaluated: 2018-03-20. Review status: criteria provided, single submitter. Criteria: ACMG Guidelines, 2015. Collection method: clinical testing. Allele origin: maternal. Affected: yes.
Comment: This variant was determined to be of uncertain significance according to ACMG Guidelines, 2015 [PMID:25741868].